The following is an entry in ClinVar:

NM_017636.4(TRPM4):c.1862G>T (p.Gly621Val)

Gene: TRPM4 (transient receptor potential cation channel subfamily M member 4; plus strand). Cytogenetic location: 19q13.33.
Variant type: single nucleotide variant.
Coding change: c.1862G>T on transcript NM_017636.4 (MANE Select); coding-DNA position 1862, G replaced by T.
Protein change: p.Gly621Val; replaces glycine 621 with valine.
Molecular consequence: missense variant.
Genome position (GRCh38, 1-based): chr19:49,188,759, G>T. VCF-style: chr19-49188759-G-T. GRCh37 (hg19) VCF-style: chr19-49692016-G-T.
Other names: c.1862G>T, p.Gly621Val (NM_001195227.2); c.1517G>T, p.Gly506Val (NM_001321281.2); c.254G>T, p.Gly85Val (NM_001321282.2); c.1340G>T, p.Gly447Val (NM_001321283.2); c.800G>T, p.Gly267Val (NM_001321285.2); short protein forms G267V, G85V, G447V, G621V, G506V.
Identifiers: ClinVar variation 1508129 (VCV001508129.6), dbSNP rs2122983185, ClinGen allele CA406803344.
Genomic context (GRCh38, chr19:49,188,759, plus strand): 5'-GCCTGGAGCCTGACGCTGAGGAGGCAGCACGGAGGAAAGACCTGGCGTTCAAGTTTGAGG[G>T]GATGGGCGTTGGTGCGTGGGGCACGGTGCCTGGGAGCAGGGACGGGGGCTGCCGCCAGAG-3'
Protein context (NP_060106.2, residues 611-631): RRKDLAFKFE[Gly621Val]MGVDLFGECY

ClinVar aggregate classification (germline): Uncertain significance (1 of 4 stars; one submission).

Conditions:
Progressive familial heart block type IB (PFHB1B). Identifiers: Orphanet 871, MedGen C1970298, MONDO:0011474, OMIM 604559.

Submission:

Labcorp Genetics (formerly Invitae), Labcorp
Classification: Uncertain significance for Progressive familial heart block type IB. Last evaluated: 2023-01-30. Review status: criteria provided, single submitter. Criteria: Invitae Variant Classification Sherloc (09022015). Collection method: clinical testing. Allele origin: germline.
Comment: In summary, the available evidence is currently insufficient to determine the role of this variant in disease. Therefore, it has been classified as a Variant of Uncertain Significance. Algorithms developed to predict the effect of sequence changes on RNA splicing suggest that this variant may disrupt the consensus splice site. This sequence change replaces glycine, which is neutral and non-polar, with valine, which is neutral and non-polar, at codon 621 of the TRPM4 protein (p.Gly621Val). This variant is not present in population databases (gnomAD no frequency). This variant has not been reported in the literature in individuals affected with TRPM4-related conditions. ClinVar contains an entry for this variant (Variation ID: 1508129). Algorithms developed to predict the effect of missense changes on protein structure and function (SIFT, PolyPhen-2, Align-GVGD) all suggest that this variant is likely to be tolerated.